The following is an entry in ClinVar:

ClinVar aggregate classification (germline): Likely pathogenic. Review status: reviewed by expert panel (3 of 4 stars). 3 submissions from 3 submitters: Likely pathogenic (1). 2 of the submissions do not count toward it. Last evaluated 2025-11-11.

Conditions:
Left ventricular noncompaction. Identifiers: Orphanet 54260, MedGen C1960469, MONDO:0018901, HP:0030682.
Restrictive cardiomyopathy. Identifiers: Orphanet 217632, MedGen C0007196, MeSH D002313, MONDO:0005201, HP:0001723.
Hypertrophic cardiomyopathy. Also called: HYPERTROPHIC MYOCARDIOPATHY. Identifiers: Orphanet 217569, MedGen C0007194, MeSH D002312, MONDO:0005045, HP:0001639.

Submissions (3):

ClinGen Cardiomyopathy Variant Curation Expert Panel
Classification: Likely pathogenic for Hypertrophic cardiomyopathy. Last evaluated: 2025-11-11. Review status: reviewed by expert panel. Criteria: ClinGen CMP ACMG Specifications v1. Collection method: curation. Allele origin: germline. Inheritance: Autosomal dominant inheritance.
Comment: The NM_000257.4(MYH7):c.1157A>G (p.Tyr386Cys) variant has been reported as a de novo occurence in 2 infants with early-onset/severe cardiomyopathy that presented with variable features (1 with features of HCM and RCM, and 1 with features of HCM and LVNC that progressed to DCM; Lakdawala 2012 PMID:22464770; Greenway 2012 PMID:23170025; Alfares 2015 PMID:25611685; LMM pers. comm.) and in an additional case with RCM (age unknown; GeneDx pers. comm.). Collectively, this data meets criteria for PS4_Supporting and PM6. This variant was absent from large population studies (PM2; gnomAD v2.1.1). This variant lies in the head region of the protein (aa 181-937) and missense variants in this region are statistically more likely to be associated with HCM (PM1; Walsh 2017 PMID:27532257). Computational prediction tools and conservation analysis suggest that this variant may impact the protein (PP3). In summary, this variant meets criteria to be classified as likely pathogenic for complex cardiomyopathy in an autosomal dominant manner. MYH7-specific ACMG/AMP criteria applied (Kelly 2018 PMID:29300372): PS4_Supporting, PM6, PM2, PM1, PP3.

GeneDx
Classification: Likely pathogenic. Last evaluated: 2017-09-11. Review status: criteria provided, single submitter. Criteria: GeneDx Variant Classification (06012015). Collection method: clinical testing. Allele origin: germline. Affected: yes. Not counted in ClinVar's aggregate classification.
Comment: The Y386C likely pathogenic variant in the MYH7 gene has been reported in association with cardiomyopathy (Lakdawala et al., 2012; Greenway et al., 2012; Walsh et al., 2017). The Y386C variant is not observed in large population cohorts (Lek et al., 2016; 1000 Genomes Consortium et al., 2015; Exome Variant Server). The Y386C variant is a non-conservative amino acid substitution, which is likely to impact secondary protein structure as these residues differ in polarity, charge, size and/or other properties. This substitution occurs at a position that is conserved across species, and in silico analysis predicts this variant is probably damaging to the protein structure/function. However, while a missense variant in the same residue (Y386H) has been reported in the Human Gene Mutation Database in association with cardiomyopathy (Stenson et al., 2014), the pathogenicity of this variant has not been definitively determined.

Laboratory for Molecular Medicine, Mass General Brigham Personalized Medicine
Classification: Pathogenic for Hypertrophic cardiomyopathy; Restrictive cardiomyopathy; Left ventricular noncompaction. Last evaluated: 2013-08-23. Review status: criteria provided, single submitter. Criteria: LMM Criteria. Collection method: clinical testing. Allele origin: germline. Inheritance: Autosomal dominant inheritance. Observed: 2 variant alleles. Not counted in ClinVar's aggregate classification.
Comment: The Tyr386Cys variant in MYH7 has been identified in 2 infants with HCM addition al features (LNVC and RCM; Lakdawala 2012, LMM unpublished data) and was not ide ntified in large population studies. Of note, the variant appeared to have occur red de novo and in the absence of a family history of cardiomyopathy in both ins tances. As such, this variant meets our criteria to be classified as pathogenic based upon absence from controls and de novo occ urence.

Literature cited by the submitters: PubMed 29300372 (cited by ClinGen Cardiomyopathy Variant Curation Expert Panel).

NM_000257.4(MYH7):c.1157A>G (p.Tyr386Cys)

Gene: MYH7 (myosin heavy chain 7; minus strand). Cytogenetic location: 14q11.2.
Variant type: single nucleotide variant.
Coding change: c.1157A>G on transcript NM_000257.4 (MANE Select); coding-DNA position 1157, A replaced by G.
Protein change: p.Tyr386Cys; replaces tyrosine 386 with cysteine.
Molecular consequence: missense variant.
Genome position (GRCh38, 1-based): chr14:23,429,329, T>C on the plus strand (A>G on the coding strand, the complement: MYH7 is on the minus strand). VCF-style: chr14-23429329-T-C. GRCh37 (hg19) VCF-style: chr14-23898538-T-C.
Other names: NM_000257.3(MYH7):c.1157A>G; short protein forms Y386C.
Identifiers: ClinVar variation 164378 (VCV000164378.7), dbSNP rs727503269, ClinGen allele CA010299.